The following is an entry in ClinVar:

NM_001349338.3(FOXP1):c.181-17966G>A

Gene: FOXP1 (forkhead box P1; minus strand). Cytogenetic location: 3p13.
Variant type: single nucleotide variant.
Coding change: c.181-17966G>A on transcript NM_001349338.3 (MANE Select); 17966 bases into the intron before coding-DNA position 181, G replaced by A.
Molecular consequence: intron variant.
Genome position (GRCh38, 1-based): chr3:71,130,603, C>T on the plus strand (G>A on the coding strand, the complement: FOXP1 is on the minus strand). VCF-style: chr3-71130603-C-T. GRCh37 (hg19) VCF-style: chr3-71179754-C-T.
Other names: c.181-17966G>A (NM_001244810.2, NM_032682.6, NM_001349340.3 and 5 more transcripts); c.-121+1488G>A (NM_001349343.3, NM_001349342.3).
Identifiers: ClinVar variation 3045160 (VCV003045160.2), dbSNP rs780288616, ClinGen allele CA2491340.

ClinVar aggregate classification (germline): Likely benign (0 of 4 stars; one submission).

Conditions:
FOXP1-related disorder. Also called: FOXP1-related condition.

Allele frequency attached by ClinVar (database versions not stated): gnomAD exomes 0.00005; ExAC 0.00012; gnomAD 0.00003; TOPMed 0.00004.
gnomAD v4.1: 73 of 1,598,066 alleles (0.0046%); highest among the groups gnomAD compares: South Asian, 0.018%; no homozygotes.

Submission:

PreventionGenetics, part of Exact Sciences
Classification: Likely benign for FOXP1-related condition. Last evaluated: 2023-01-23. Review status: no assertion criteria provided. Collection method: clinical testing. Allele origin: germline.
Comment: This variant is classified as likely benign based on ACMG/AMP sequence variant interpretation guidelines (Richards et al. 2015 PMID: 25741868, with internal and published modifications).